The following is an entry in ClinVar:

ClinVar aggregate classification (germline): Uncertain significance (1 of 4 stars; one submission).

Submission:

GeneDx
Classification: Uncertain significance. Last evaluated: 2026-03-03. Review status: criteria provided, single submitter. Criteria: GeneDx Variant Classification Process June 2021. Collection method: clinical testing. Allele origin: germline.
Comment: Not observed at significant frequency in large population cohorts (gnomAD); In silico analysis suggests that this missense variant does not alter protein structure/function; Has not been previously published as pathogenic or benign to our knowledge

NM_005585.5(SMAD6):c.335G>C (p.Gly112Ala)

Gene: SMAD6 (SMAD family member 6; plus strand). Cytogenetic location: 15q22.31.
Variant type: single nucleotide variant.
Coding change: c.335G>C on transcript NM_005585.5 (MANE Select); coding-DNA position 335, G replaced by C.
Protein change: p.Gly112Ala; replaces glycine 112 with alanine.
Molecular consequence: missense variant. On other transcripts: non-coding transcript variant (1).
Genome position (GRCh38, 1-based): chr15:66,703,593, G>C. VCF-style: chr15-66703593-G-C. GRCh37 (hg19) VCF-style: chr15-66995931-G-C.
Other names: short protein forms G112A.
Identifiers: ClinVar variation 5008262 (VCV005008262.1).